The following is an entry in ClinVar:

NM_000051.4(ATM):c.1178G>T (p.Trp393Leu)

Gene: ATM (ATM serine/threonine kinase; plus strand). Cytogenetic location: 11q22.3.
Variant type: single nucleotide variant.
Coding change: c.1178G>T on transcript NM_000051.4 (MANE Select); coding-DNA position 1178, G replaced by T.
Protein change: p.Trp393Leu; replaces tryptophan 393 with leucine.
Molecular consequence: missense variant.
Genome position (GRCh38, 1-based): chr11:108,249,045, G>T. VCF-style: chr11-108249045-G-T. GRCh37 (hg19) VCF-style: chr11-108119772-G-T.
Other names: c.1178G>T (NM_000051.2); c.1178G>T, p.Trp393Leu (NM_001351834.2); short protein forms W393L.
Identifiers: ClinVar variation 481335 (VCV000481335.16), dbSNP rs1025339570, ClinGen allele CA228389857.

ClinVar aggregate classification (germline): Uncertain significance. Review status: criteria provided, multiple submitters, no conflicts (2 of 4 stars). 3 submissions from 3 submitters: Uncertain significance (3). Last evaluated 2025-02-10.

Conditions:
Hereditary cancer-predisposing syndrome. Also called: Hereditary Cancer Syndrome; Tumor predisposition; Neoplastic Syndromes, Hereditary; Hereditary neoplastic syndrome. Identifiers: Orphanet 140162, MedGen C0027672, MeSH D009386, MONDO:0015356.
Ataxia-telangiectasia syndrome (AT). Also called: LOUIS-BAR SYNDROME; Ataxia telangiectasia (A-T); Cerebello-oculocutaneous telangiectasia; Immunodeficiency with ataxia telangiectasia; Ataxia-telangiectasia, complementation group E; ATAXIA-TELANGIECTASIA, COMPLEMENTATION GROUP A. Identifiers: Orphanet 100, MedGen C0004135, MONDO:0008840, OMIM 208900.
ATM-related cancer predisposition. Also called: ATM-related cancer susceptibility. Identifiers: MedGen CN377759, MONDO:0700270.

Allele frequency attached by ClinVar (database versions not stated): gnomAD 0.00001; TOPMed below 0.00001.
gnomAD v4.1: 1 of 1,613,904 alleles (0.000062%); no homozygotes.

Submissions (3):

Ambry Genetics
Classification: Uncertain significance for Hereditary cancer-predisposing syndrome. Last evaluated: 2025-02-10. Review status: criteria provided, single submitter. Criteria: Ambry Variant Classification Scheme 2023. Collection method: clinical testing. Allele origin: germline.
Comment: The p.W393L variant (also known as c.1178G>T), located in coding exon 8 of the ATM gene, results from a G to T substitution at nucleotide position 1178. The tryptophan at codon 393 is replaced by leucine, an amino acid with similar properties. This alteration was identified in an individual diagnosed with colorectal cancer (Liccardo R et al. Int J Mol Med, 2022 Jun;49:). This amino acid position is highly conserved in available vertebrate species. In addition, the in silico prediction for this alteration is inconclusive. Based on the available evidence, the clinical significance of this variant remains unclear.

Labcorp Genetics (formerly Invitae), Labcorp
Classification: Uncertain significance for Ataxia-telangiectasia syndrome. Last evaluated: 2024-04-15. Review status: criteria provided, single submitter. Criteria: Invitae Variant Classification Sherloc (09022015). Collection method: clinical testing. Allele origin: germline.
Comment: This sequence change replaces tryptophan, which is neutral and slightly polar, with leucine, which is neutral and non-polar, at codon 393 of the ATM protein (p.Trp393Leu). This variant is not present in population databases (gnomAD no frequency). This missense change has been observed in individual(s) with clinical features of Lynch syndrome (PMID: 35475445). ClinVar contains an entry for this variant (Variation ID: 481335). An algorithm developed to predict the effect of missense changes on protein structure and function (PolyPhen-2) suggests that this variant is likely to be disruptive. In summary, the available evidence is currently insufficient to determine the role of this variant in disease. Therefore, it has been classified as a Variant of Uncertain Significance.

Department of Pathology and Laboratory Medicine, Sinai Health System
Classification: Uncertain significance for ATM-related cancer predisposition. Last evaluated: 2022-10-07. Review status: criteria provided, single submitter. Criteria: ACMG Guidelines, 2015. Collection method: clinical testing. Allele origin: germline. Affected: no.

Literature cited by the submitters: PubMed 35475445 (cited by Ambry Genetics and Labcorp Genetics (formerly Invitae), Labcorp).